The following is an entry in ClinVar:

ClinVar aggregate classification (germline): Benign. Review status: criteria provided, single submitter (1 of 4 stars). 2 submissions from 2 submitters: Benign (1). 1 of the submissions does not count toward it. Last evaluated 2026-01-28.

Conditions:
TRRAP-related disorder. Also called: TRRAP-related condition.

Allele frequency attached by ClinVar (database versions not stated): gnomAD 0.00120 and 0.00165; TOPMed 0.00206; ExAC 0.00325; gnomAD exomes 0.00339; 1000 Genomes Project 30x 0.00765; 1000 Genomes Project 0.00779.
gnomAD v4.1: 2,164 of 1,614,198 alleles (0.13%); highest among the groups gnomAD compares: East Asian, 4.4%; 46 homozygotes.

Submissions (2):

Labcorp Genetics (formerly Invitae), Labcorp
Classification: Benign. Last evaluated: 2026-01-28. Review status: criteria provided, single submitter. Criteria: Invitae Variant Classification Sherloc (09022015). Collection method: clinical testing. Allele origin: germline.

PreventionGenetics, part of Exact Sciences
Classification: Benign for TRRAP-related condition. Last evaluated: 2019-10-15. Review status: no assertion criteria provided. Collection method: clinical testing. Allele origin: germline. Not counted in ClinVar's aggregate classification.
Comment: This variant is classified as benign based on ACMG/AMP sequence variant interpretation guidelines (Richards et al. 2015 PMID: 25741868, with internal and published modifications).

NM_001375524.1(TRRAP):c.6759C>T (p.Val2253=)

Gene: TRRAP (transformation/transcription domain associated protein; plus strand). Cytogenetic location: 7q22.1.
Variant type: single nucleotide variant.
Coding change: c.6759C>T on transcript NM_001375524.1 (MANE Select); coding-DNA position 6759, C replaced by T.
Protein change: p.Val2253=; no amino-acid change (valine 2253 retained).
Molecular consequence: synonymous variant.
Genome position (GRCh38, 1-based): chr7:98,962,357, C>T. VCF-style: chr7-98962357-C-T. GRCh37 (hg19) VCF-style: chr7-98559980-C-T.
Other names: c.6738C>T, p.Val2246= (NM_001244580.2); c.6684C>T, p.Val2228= (NM_003496.4).
Identifiers: ClinVar variation 713101 (VCV000713101.10), dbSNP rs56091446, ClinGen allele CA4360959.